The following is an entry in ClinVar:

NM_017617.5(NOTCH1):c.6427A>G (p.Asn2143Asp)

Gene: NOTCH1 (notch receptor 1; minus strand). Cytogenetic location: 9q34.3.
Variant type: single nucleotide variant.
Coding change: c.6427A>G on transcript NM_017617.5 (MANE Select); coding-DNA position 6427, A replaced by G.
Protein change: p.Asn2143Asp; replaces asparagine 2143 with aspartic acid.
Molecular consequence: missense variant.
Genome position (GRCh38, 1-based): chr9:136,497,312, T>C on the plus strand (A>G on the coding strand, the complement: NOTCH1 is on the minus strand). VCF-style: chr9-136497312-T-C. GRCh37 (hg19) VCF-style: chr9-139391764-T-C.
Other names: short protein forms N2143D.
Identifiers: ClinVar variation 4847434 (VCV004847434.1).
Genomic context (GRCh38, chr9:136,497,312, plus strand): 5'-TGCTGGGCTTGCGGACCTTCTTGCCCTGCACGCCGGGCTTGAGGCTGCCCAGGTAGCCGT[T>C]GGGCGAGCAGAGCGGGGGCGACAGGGTGGGCGTGCCCCCCAGCGGGGCTCCGTGCAGCTG-3'
Protein context (NP_060087.3, residues 2133-2153): PTLSPPLCSP[Asn2143Asp]GYLGSLKPGV

ClinVar aggregate classification (germline): Uncertain significance (1 of 4 stars; one submission).

gnomAD v4.1: 1 of 1,607,328 alleles (0.000062%); highest among the groups gnomAD compares: Non-Finnish European, 0.000085%; no homozygotes.

Submission:

Women's Health and Genetics/Laboratory Corporation of America, LabCorp
Classification: Uncertain significance. Last evaluated: 2026-03-06. Review status: criteria provided, single submitter. Criteria: LabCorp Variant Classification Summary - May 2015. Collection method: clinical testing. Allele origin: germline.
Comment: Variant summary: NOTCH1 c.6427A>G (p.Asn2143Asp) results in a conservative amino acid change in the encoded protein sequence. Algorithms developed to predict the effect of missense changes on protein structure and function are either unavailable or do not agree on the potential impact of this missense change. The variant was absent in 240780 control chromosomes. The available data on variant occurrences in the general population are insufficient to allow any conclusion about variant significance. To our knowledge, no occurrence of c.6427A>G in individuals affected with NOTCH1-related conditions and no experimental evidence demonstrating its impact on protein function have been reported. No submitters have cited clinical-significance assessments for this variant to ClinVar. Based on the evidence outlined above, the variant was classified as uncertain significance.